The following is an entry in ClinVar:

ClinVar aggregate classification (germline): Uncertain significance (1 of 4 stars; one submission).

Submission:

Labcorp Genetics (formerly Invitae), Labcorp
Classification: Uncertain significance. Last evaluated: 2025-04-12. Review status: criteria provided, single submitter. Criteria: Invitae Variant Classification Sherloc (09022015). Collection method: clinical testing. Allele origin: germline.
Comment: This sequence change replaces tyrosine, which is neutral and polar, with cysteine, which is neutral and slightly polar, at codon 102 of the CCDC141 protein (p.Tyr102Cys). This variant is present in population databases (rs192347739, gnomAD 0.1%), and has an allele count higher than expected for a pathogenic variant. This variant has not been reported in the literature in individuals affected with CCDC141-related conditions. An algorithm developed to predict the effect of missense changes on protein structure and function (PolyPhen-2) suggests that this variant is likely to be disruptive. Algorithms developed to predict the effect of sequence changes on RNA splicing suggest that this variant may create or strengthen a splice site. In summary, the available evidence is currently insufficient to determine the role of this variant in disease. Therefore, it has been classified as a Variant of Uncertain Significance.

NM_173648.4(CCDC141):c.305A>G (p.Tyr102Cys)

Gene: CCDC141 (coiled-coil domain containing 141; minus strand). Cytogenetic location: 2q31.2.
Variant type: single nucleotide variant.
Coding change: c.305A>G on transcript NM_173648.4 (MANE Select); coding-DNA position 305, A replaced by G.
Protein change: p.Tyr102Cys; replaces tyrosine 102 with cysteine.
Molecular consequence: missense variant.
Genome position (GRCh38, 1-based): chr2:178,978,596, T>C on the plus strand (A>G on the coding strand, the complement: CCDC141 is on the minus strand). VCF-style: chr2-178978596-T-C. GRCh37 (hg19) VCF-style: chr2-179843323-T-C.
Other names: c.305A>G, p.Tyr102Cys (NM_001316745.2); short protein forms Y102C.
Identifiers: ClinVar variation 4741261 (VCV004741261.1).